The following is an entry in ClinVar:

NM_004341.5(CAD):c.3618+1del

Gene: CAD (carbamoyl-phosphate synthetase 2, aspartate transcarbamylase, and dihydroorotase; plus strand). Cytogenetic location: 2p23.3.
Variant type: Deletion.
Coding change: c.3618+1del on transcript NM_004341.5 (MANE Select); the canonical splice donor site of the intron after coding-DNA position 3618, one base deleted (G; older notation c.3618+1delG).
Molecular consequence: splice donor variant.
Genome position (GRCh38, 1-based): chr2:27,234,227, G deleted; the last of 2 consecutive G bases (chr2:27,234,226-27,234,227); deleting either gives the same sequence. VCF-style (leftmost placement, unchanged base first): chr2-27234225-AG-A. GRCh37 (hg19) VCF-style: chr2-27457093-AG-A.
Other names: NC_000002.11:g.27457095del; c.3429+1del (NM_001306079.2).
Identifiers: ClinVar variation 3903260 (VCV003903260.2).
Genomic context (GRCh38, chr2:27,234,225, plus strand): 5'-TGCATGCTGTGGGCCAGGAGCTACAGGTCACAGGACCCTTCAATCTGCAGCTCATTGCCA[AG>A]GTAATAAGGCTAAAGGAAAGAACTAAAGGGCCACAGCTCTTGCATGTTCTGTGCTGGCCA-3'

ClinVar aggregate classification (germline): Likely pathogenic (1 of 4 stars; one submission).

Submissions (2):

GeneDx
Classification: Likely pathogenic. Last evaluated: 2024-12-16. Review status: criteria provided, single submitter. Criteria: GeneDx Variant Classification Process June 2021. Collection method: clinical testing. Allele origin: germline. Affected: yes.
Comment: Canonical splice site variant predicted to result in an in-frame loss of the adjacent exon in a gene for which loss of function is a known mechanism of disease; Not observed at significant frequency in large population cohorts (gnomAD); Has not been previously published as pathogenic or benign to our knowledge

Dr. Peter K. Rogan Lab, Western University
No classification provided (evidence only). Condition: Melanoma. Review status: no classification provided. Collection method: in vitro. Allele origin: not applicable. Functional consequence: retained intron. Not counted in ClinVar's aggregate classification.